The following is an entry in ClinVar:

ClinVar aggregate classification (germline): Uncertain significance. Review status: criteria provided, multiple submitters, no conflicts (2 of 4 stars). 2 submissions from 2 submitters: Uncertain significance (2). Last evaluated 2023-04-17.

Conditions:
Inborn genetic diseases. Identifiers: MedGen C0950123, MeSH D030342.
Jeune thoracic dystrophy. Also called: Jeune syndrome; Short-rib thoracic dysplasia; Infantile thoracic dystrophy; Thoracic pelvic phalangeal dystrophy; Jeune's syndrome; Chondroectodermal dysplasia-like syndrome. Identifiers: Orphanet 474, MedGen C0265275, MONDO:0018770.

Allele frequency attached by ClinVar (database versions not stated): ExAC 0.00001; TOPMed 0.00001.
gnomAD v4.1: 2 of 1,613,062 alleles (0.00012%); highest among the groups gnomAD compares: Admixed American, 0.0017%; no homozygotes.

Submissions (2):

Ambry Genetics
Classification: Uncertain significance for Inborn genetic diseases. Last evaluated: 2023-04-17. Review status: criteria provided, single submitter. Criteria: Ambry Variant Classification Scheme 2023. Collection method: clinical testing. Allele origin: germline.

Labcorp Genetics (formerly Invitae), Labcorp
Classification: Uncertain significance for Jeune thoracic dystrophy. Last evaluated: 2021-08-30. Review status: criteria provided, single submitter. Criteria: Invitae Variant Classification Sherloc (09022015). Collection method: clinical testing. Allele origin: germline.
Comment: This sequence change replaces serine with isoleucine at codon 485 of the DYNC2H1 protein (p.Ser485Ile). The serine residue is weakly conserved and there is a large physicochemical difference between serine and isoleucine. This variant is present in population databases (rs779488462, ExAC 0.009%). This variant has not been reported in the literature in individuals affected with DYNC2H1-related conditions. Algorithms developed to predict the effect of missense changes on protein structure and function are either unavailable or do not agree on the potential impact of this missense change (SIFT: "Deleterious"; PolyPhen-2: "Benign"; Align-GVGD: "Class C0"). In summary, the available evidence is currently insufficient to determine the role of this variant in disease. Therefore, it has been classified as a Variant of Uncertain Significance.

NM_001377.3(DYNC2H1):c.1454G>T (p.Ser485Ile)

Gene: DYNC2H1 (dynein cytoplasmic 2 heavy chain 1; plus strand). Cytogenetic location: 11q22.3.
Variant type: single nucleotide variant.
Coding change: c.1454G>T on transcript NM_001377.3 (MANE Select); coding-DNA position 1454, G replaced by T.
Protein change: p.Ser485Ile; replaces serine 485 with isoleucine.
Molecular consequence: missense variant.
Genome position (GRCh38, 1-based): chr11:103,121,465, G>T. VCF-style: chr11-103121465-G-T. GRCh37 (hg19) VCF-style: chr11-102992194-G-T.
Other names: c.1454G>T (NM_001080463.1); c.1454G>T, p.Ser485Ile (NM_001080463.2); short protein forms S485I.
Identifiers: ClinVar variation 1043888 (VCV001043888.4), dbSNP rs779488462, ClinGen allele CA6252772.